The following is an entry in ClinVar:

NM_002519.3(NPAT):c.1491A>G (p.Glu497=)

Gene: NPAT (nuclear protein, coactivator of histone transcription; minus strand). Cytogenetic location: 11q22.3.
Variant type: single nucleotide variant.
Coding change: c.1491A>G on transcript NM_002519.3 (MANE Select); coding-DNA position 1491, A replaced by G.
Protein change: p.Glu497=; no amino-acid change (glutamic acid 497 retained).
Molecular consequence: synonymous variant.
Genome position (GRCh38, 1-based): chr11:108,173,493, T>C on the plus strand (A>G on the coding strand, the complement: NPAT is on the minus strand). VCF-style: chr11-108173493-T-C. GRCh37 (hg19) VCF-style: chr11-108044220-T-C.
Other names: c.1491A>G, p.Glu497= (NM_001321307.1).
Identifiers: ClinVar variation 1773784 (VCV001773784.8), dbSNP rs375517807, ClinGen allele CA6263982.
Genomic context (GRCh38, chr11:108,173,493, plus strand): 5'-ACAACCAAGTGAAACAAATGAAGTTATTGGTATATCAGGCTGATCAGGCTGTAACTGAGA[T>C]TCACTCGGTACATTTGAAGACAAAGAGTTCTTTTCAATCCCTATAGCCATTTCAGTTTCA-3'
Protein context (NP_002510.2, residues 487-507): KNSLSSNVPS[Glu497=]SQLQPDQPDI

ClinVar aggregate classification (germline): Likely benign. Review status: criteria provided, multiple submitters, no conflicts (2 of 4 stars). 3 submissions from 3 submitters: Likely benign (2). 1 of the submissions does not count toward it. Last evaluated 2025-12-20.

Conditions:
NPAT-related disorder. Also called: NPAT-related condition.

Allele frequency attached by ClinVar (database versions not stated): ExAC 0.00004; gnomAD 0.00007; ESP Exome Variant Server 0.00017; TOPMed 0.00005.
gnomAD v4.1: 222 of 1,614,044 alleles (0.014%); highest among the groups gnomAD compares: Non-Finnish European, 0.018%; no homozygotes.

Submissions (4):

Labcorp Genetics (formerly Invitae), Labcorp
Classification: Likely benign. Last evaluated: 2025-12-20. Review status: criteria provided, single submitter. Criteria: Invitae Variant Classification Sherloc (09022015). Collection method: clinical testing. Allele origin: germline.

Ambry Genetics
Classification: Likely benign. Last evaluated: 2022-03-02. Review status: criteria provided, single submitter. Criteria: Ambry Variant Classification Scheme 2023. Collection method: clinical testing. Allele origin: germline.

PreventionGenetics, part of Exact Sciences
Classification: Likely benign for NPAT-related condition. Last evaluated: 2024-01-24. Review status: no assertion criteria provided. Collection method: clinical testing. Allele origin: germline. Not counted in ClinVar's aggregate classification.
Comment: This variant is classified as likely benign based on ACMG/AMP sequence variant interpretation guidelines (Richards et al. 2015 PMID: 25741868, with internal and published modifications).

Dr. Peter K. Rogan Lab, Western University
No classification provided (evidence only). Condition: Uterine corpus endometrial carcinoma. Review status: no classification provided. Collection method: in vitro. Allele origin: not applicable. Functional consequence: skipped exon. Not counted in ClinVar's aggregate classification.